The following is an entry in ClinVar:

ClinVar aggregate classification (germline): Uncertain significance. Review status: criteria provided, multiple submitters, no conflicts (2 of 4 stars). 2 submissions from 2 submitters: Uncertain significance (2). Last evaluated 2024-08-14.

Conditions:
Cardiomyopathy (CMYO). Also called: Cardiomyopathies. Identifiers: Orphanet 167848, MedGen C0878544, MONDO:0004994, HP:0001638. Inheritance: Various modes of inheritance.
Catecholaminergic polymorphic ventricular tachycardia 1. Also called: VENTRICULAR TACHYCARDIA, STRESS-INDUCED POLYMORPHIC 1; VENTRICULAR TACHYCARDIA, CATECHOLAMINERGIC POLYMORPHIC, 1, WITH OR WITHOUT ATRIAL DYSFUNCTION AND/OR DILATED CARDIOMYOPATHY; RYR2-Related Catecholaminergic Polymorphic Ventricular Tachycardia. Identifiers: Orphanet 3286, MedGen C1631597, MONDO:0011484, OMIM 604772.

Allele frequency attached by ClinVar (database versions not stated): TOPMed below 0.00001; gnomAD 0.00001; gnomAD exomes 0.00004; ExAC 0.00005.
gnomAD v4.1: 4 of 1,476,330 alleles (0.00027%); highest among the groups gnomAD compares: East Asian, 0.0076%; no homozygotes.

Submissions (2):

Labcorp Genetics (formerly Invitae), Labcorp
Classification: Uncertain significance for Catecholaminergic polymorphic ventricular tachycardia 1. Last evaluated: 2024-08-14. Review status: criteria provided, single submitter. Criteria: Invitae Variant Classification Sherloc (09022015). Collection method: clinical testing. Allele origin: germline.
Comment: This sequence change falls in intron 55 of the RYR2 gene. It does not directly change the encoded amino acid sequence of the RYR2 protein. It affects a nucleotide within the consensus splice site. This variant is present in population databases (rs773129405, gnomAD 0.06%). This variant has not been reported in the literature in individuals affected with RYR2-related conditions. ClinVar contains an entry for this variant (Variation ID: 1171399). Variants that disrupt the consensus splice site are a relatively common cause of aberrant splicing (PMID: 17576681, 9536098). Algorithms developed to predict the effect of sequence changes on RNA splicing suggest that this variant is not likely to affect RNA splicing. In summary, the available evidence is currently insufficient to determine the role of this variant in disease. Therefore, it has been classified as a Variant of Uncertain Significance.

Color Diagnostics, LLC DBA Color Health
Classification: Uncertain significance for Cardiomyopathy. Last evaluated: 2022-11-08. Review status: criteria provided, single submitter. Criteria: ACMG Guidelines, 2015. Collection method: clinical testing. Allele origin: germline.
Comment: This variant causes a G to A nucleotide substitution at the +5 position of intron 55 of the RYR2 gene. Splice site prediction tools and conservation analysis are inconclusive regarding the impact of this variant on RNA splicing. To our knowledge, functional studies have not been reported for this variant. This variant has not been reported in individuals affected with cardiovascular disorders in the literature. This variant has been identified in 9/212608 chromosomes in the general population by the Genome Aggregation Database (gnomAD). The available evidence is insufficient to determine the role of this variant in disease conclusively. Therefore, this variant is classified as a Variant of Uncertain Significance.

Literature cited by the submitters: PubMed 17576681 (cited by Labcorp Genetics (formerly Invitae), Labcorp); PubMed 9536098 (cited by Labcorp Genetics (formerly Invitae), Labcorp).

NM_001035.3(RYR2):c.8298+5G>A

Gene: RYR2 (ryanodine receptor 2; plus strand). Cytogenetic location: 1q43.
Variant type: single nucleotide variant.
Coding change: c.8298+5G>A on transcript NM_001035.3 (MANE Select); 5 bases into the intron after coding-DNA position 8298, G replaced by A.
Molecular consequence: intron variant.
Genome position (GRCh38, 1-based): chr1:237,660,079, G>A. VCF-style: chr1-237660079-G-A. GRCh37 (hg19) VCF-style: chr1-237823379-G-A.
Identifiers: ClinVar variation 1171399 (VCV001171399.8), dbSNP rs773129405, ClinGen allele CA087608.